The following is an entry in ClinVar:

NM_001845.6(COL4A1):c.3685C>T (p.His1229Tyr)

Gene: COL4A1 (collagen type IV alpha 1 chain; minus strand). Cytogenetic location: 13q34.
Variant type: single nucleotide variant.
Coding change: c.3685C>T on transcript NM_001845.6 (MANE Select); coding-DNA position 3685, C replaced by T.
Protein change: p.His1229Tyr; replaces histidine 1229 with tyrosine.
Molecular consequence: missense variant.
Genome position (GRCh38, 1-based): chr13:110,170,604, G>A on the plus strand (C>T on the coding strand, the complement: COL4A1 is on the minus strand). VCF-style: chr13-110170604-G-A. GRCh37 (hg19) VCF-style: chr13-110822951-G-A.
Other names: c.3685C>T (NM_001845.4); short protein forms H1229Y.
Identifiers: ClinVar variation 1390165 (VCV001390165.7), dbSNP rs745478987, ClinGen allele CA7047177.

ClinVar aggregate classification (germline): Uncertain significance. Review status: criteria provided, multiple submitters, no conflicts (2 of 4 stars). 2 submissions from 2 submitters: Uncertain significance (2). Last evaluated 2026-02-16.

Conditions:
Inborn genetic diseases. Identifiers: MedGen C0950123, MeSH D030342.

Allele frequency attached by ClinVar (database versions not stated): gnomAD exomes below 0.00001; ExAC 0.00001.

Submissions (2):

Ambry Genetics
Classification: Uncertain significance for Inborn genetic diseases. Last evaluated: 2026-02-16. Review status: criteria provided, single submitter. Criteria: Ambry Variant Classification Scheme 2023. Collection method: clinical testing. Allele origin: germline.
Comment: The c.3685C>T (p.H1229Y) alteration is located in exon 42 (coding exon 42) of the COL4A1 gene. This alteration results from a C to T substitution at nucleotide position 3685, causing the histidine (H) at amino acid position 1229 to be replaced by a tyrosine (Y). Based on data from gnomAD, the T allele has an overall frequency of <0.001% (1/242646) total alleles studied. The highest observed frequency was 0.006% (1/18168) of East Asian alleles. Based on insufficient or conflicting evidence, the clinical significance of this alteration remains unclear.

Labcorp Genetics (formerly Invitae), Labcorp
Classification: Uncertain significance. Last evaluated: 2024-10-08. Review status: criteria provided, single submitter. Criteria: Invitae Variant Classification Sherloc (09022015). Collection method: clinical testing. Allele origin: germline.
Comment: This sequence change replaces histidine, which is basic and polar, with tyrosine, which is neutral and polar, at codon 1229 of the COL4A1 protein (p.His1229Tyr). The frequency data for this variant in the population databases is considered unreliable, as metrics indicate poor data quality at this position in the gnomAD database. This variant has not been reported in the literature in individuals affected with COL4A1-related conditions. ClinVar contains an entry for this variant (Variation ID: 1390165). Invitae Evidence Modeling of protein sequence and biophysical properties (such as structural, functional, and spatial information, amino acid conservation, physicochemical variation, residue mobility, and thermodynamic stability) indicates that this missense variant is not expected to disrupt COL4A1 protein function with a negative predictive value of 95%. In summary, the available evidence is currently insufficient to determine the role of this variant in disease. Therefore, it has been classified as a Variant of Uncertain Significance.